The following is an entry in ClinVar:

ClinVar aggregate classification (germline): Pathogenic (1 of 4 stars; one submission).

Conditions:
Tay-Sachs disease (TSD). Also called: HEXA DEFICIENCY; GM2 gangliosidosis, type 1; Hexosaminidase alpha-subunit deficiency (variant B); Sphingolipidosis, Tay-Sachs; Hexosaminidase A Deficiency; HEXA Disorders. Identifiers: Orphanet 845, MedGen C0039373, MONDO:0010100, OMIM 272800.

Submission:

Labcorp Genetics (formerly Invitae), Labcorp
Classification: Pathogenic for Tay-Sachs disease. Last evaluated: 2023-02-11. Review status: criteria provided, single submitter. Criteria: Invitae Variant Classification Sherloc (09022015). Collection method: clinical testing. Allele origin: germline.
Comment: For these reasons, this variant has been classified as Pathogenic. This variant has not been reported in the literature in individuals affected with HEXA-related conditions. This variant is not present in population databases (gnomAD no frequency). This sequence change creates a premature translational stop signal (p.Tyr37Leufs*34) in the HEXA gene. It is expected to result in an absent or disrupted protein product. Loss-of-function variants in HEXA are known to be pathogenic (PMID: 1833974, 8490625).

Literature cited by the submitters: PubMed 1833974; PubMed 8490625.

NM_000520.6(HEXA):c.107dup (p.Tyr37fs)

Gene: HEXA (hexosaminidase subunit alpha; minus strand). Cytogenetic location: 15q23.
Variant type: Duplication.
Coding change: c.107dup on transcript NM_000520.6 (MANE Select); coding-DNA position 107, one base duplicated (G; older notation c.107dupG).
Protein change: p.Tyr37fs; shifts the reading frame from tyrosine 37.
Molecular consequence: frameshift variant. On other transcripts: non-coding transcript variant (1).
Genome position (GRCh38, 1-based): chr15:72,375,866, C duplicated on the plus strand (G on the coding strand, the reverse complement: HEXA is on the minus strand). VCF-style (leftmost placement, unchanged base first): chr15-72375865-G-GC. GRCh37 (hg19) VCF-style: chr15-72668206-G-GC.
Other names: c.107dup, p.Tyr37fs (NM_001318825.2); short protein forms Y37fs.
Identifiers: ClinVar variation 2836271 (VCV002836271.3), dbSNP rs2542582204, ClinGen allele CA2739269545.